The following is an entry in ClinVar:

NM_016614.3(TDP2):c.501T>C (p.Asn167=)

Gene: TDP2 (tyrosyl-DNA phosphodiesterase 2; minus strand). Cytogenetic location: 6p22.3.
Variant type: single nucleotide variant.
Coding change: c.501T>C on transcript NM_016614.3 (MANE Select); coding-DNA position 501, T replaced by C.
Protein change: p.Asn167=; no amino-acid change (asparagine 167 retained).
Molecular consequence: synonymous variant.
Genome position (GRCh38, 1-based): chr6:24,657,828, A>G on the plus strand (T>C on the coding strand, the complement: TDP2 is on the minus strand). VCF-style: chr6-24657828-A-G. GRCh37 (hg19) VCF-style: chr6-24658056-A-G.
Other names: p.Asn167=.
Identifiers: ClinVar variation 727156 (VCV000727156.4), dbSNP rs139153310, ClinGen allele CA3658127.

ClinVar aggregate classification (germline): Likely benign. Review status: criteria provided, multiple submitters, no conflicts (2 of 4 stars). 2 submissions from 2 submitters: Likely benign (2). Last evaluated 2025-04-23.

Allele frequency attached by ClinVar (database versions not stated): 1000 Genomes Project 0.00060; gnomAD 0.00066 and 0.00057; gnomAD exomes 0.00003 and 0.00017; ExAC 0.00022; 1000 Genomes Project 30x 0.00047; TOPMed 0.00063; ESP Exome Variant Server 0.00077.

Submissions (2):

Mayo Clinic Laboratories, Mayo Clinic
Classification: Likely benign. Last evaluated: 2025-04-23. Review status: criteria provided, single submitter. Criteria: ACMG Guidelines, 2015. Collection method: clinical testing. Allele origin: germline. Observed: 1 variant allele.
Comment: BS1, BP4, BP7

Labcorp Genetics (formerly Invitae), Labcorp
Classification: Likely benign. Last evaluated: 2018-05-01. Review status: criteria provided, single submitter. Criteria: Invitae Variant Classification Sherloc (09022015). Collection method: clinical testing. Allele origin: germline.